The following is an entry in ClinVar:

NM_024577.4(SH3TC2):c.*7810T>A

Gene: SH3TC2 (SH3 domain and tetratricopeptide repeats 2; minus strand). Cytogenetic location: 5q32.
Variant type: single nucleotide variant.
Coding change: c.*7810T>A on transcript NM_024577.4 (MANE Select); 7810 bases downstream of the stop codon, T replaced by A.
Molecular consequence: 3 prime UTR variant.
Genome position (GRCh38, 1-based): chr5:148,996,901, A>T on the plus strand (T>A on the coding strand, the complement: SH3TC2 is on the minus strand). VCF-style: chr5-148996901-A-T. GRCh37 (hg19) VCF-style: chr5-148376464-A-T.
Identifiers: ClinVar variation 907746 (VCV000907746.5), dbSNP rs57517567, ClinGen allele CA128990111.

ClinVar aggregate classification (germline): Likely benign. Review status: criteria provided, multiple submitters, no conflicts (2 of 4 stars). 3 submissions from 2 submitters: Likely benign (3). Last evaluated 2021-10-18.

Conditions:
Susceptibility to mononeuropathy of the median nerve, mild. Also called: CARPAL TUNNEL SYNDROME, SUSCEPTIBILITY TO. Identifiers: MedGen C3150596, MONDO:0013237, OMIM 613353.
Charcot-Marie-Tooth disease type 4C (CMT4C). Also called: CMT 4C; SH3TC2-Related Hereditary Motor and Sensory Neuropathy; Charcot-Marie-Tooth Neuropathy Type 4C (CMT4C); CHARCOT-MARIE-TOOTH DISEASE, DEMYELINATING, TYPE 4C; CHARCOT-MARIE-TOOTH DISEASE, DEMYELINATING, AUTOSOMAL RECESSIVE, TYPE 4C. Identifiers: Orphanet 99949, MedGen C1866636, MONDO:0011113, OMIM 601596.

Allele frequency attached by ClinVar (database versions not stated): 1000 Genomes Project 0.01378; gnomAD 0.01420 and 0.01532; 1000 Genomes Project 30x 0.01483; TOPMed 0.01714.
gnomAD v4.1: 2,134 of 152,300 alleles (1.4%); highest among the groups gnomAD compares: African/African-American, 4.9%; 44 homozygotes.

Submissions (3):

GeneDx
Classification: Likely benign. Last evaluated: 2021-10-18. Review status: criteria provided, single submitter. Criteria: GeneDx Variant Classification Process June 2021. Collection method: clinical testing. Allele origin: germline. Affected: yes.

Illumina Laboratory Services, Illumina
Classification: Likely benign for Susceptibility to mononeuropathy of the median nerve, mild. Last evaluated: 2017-04-28. Review status: criteria provided, single submitter. Criteria: ICSL Variant Classification Criteria 13 December 2019. Collection method: clinical testing. Allele origin: germline.
Comment: This variant was observed as part of a predisposition screen in an ostensibly healthy population. A literature search was performed for the gene, cDNA change, and amino acid change (where applicable). No publications were found based on this search. Allele frequency data from public databases allowed determination this variant is unlikely to cause disease. Therefore, this variant is classified as likely benign.

Illumina Laboratory Services, Illumina
Classification: Likely benign for Charcot-Marie-Tooth disease type 4C. Last evaluated: 2017-04-28. Review status: criteria provided, single submitter. Criteria: ICSL Variant Classification Criteria 13 December 2019. Collection method: clinical testing. Allele origin: germline.
Comment: the same text as in the submission from Illumina Laboratory Services, Illumina above.